The following is an entry in ClinVar:

ClinVar aggregate classification (germline): Uncertain significance (1 of 4 stars; one submission).

Conditions:
Neurofibromatosis, type 1 (NF1). Also called: Neurofibromatosis, type I; VON RECKLINGHAUSEN DISEASE; Peripheral type neurofibromatosis; NEUROFIBROMATOSIS, TYPE I, SOMATIC. Identifiers: Orphanet 636, MedGen C0027831, MONDO:0018975, OMIM 162200. Disease mechanism: loss of function.

Submission:

Labcorp Genetics (formerly Invitae), Labcorp
Classification: Uncertain significance for Neurofibromatosis, type 1. Last evaluated: 2020-12-17. Review status: criteria provided, single submitter. Criteria: Invitae Variant Classification Sherloc (09022015). Collection method: clinical testing. Allele origin: germline.
Comment: In summary, the available evidence is currently insufficient to determine the role of this variant in disease. Therefore, it has been classified as a Variant of Uncertain Significance. Algorithms developed to predict the effect of missense changes on protein structure and function are either unavailable or do not agree on the potential impact of this missense change (SIFT: "Deleterious"; PolyPhen-2: "Possibly Damaging"; Align-GVGD: "Class C0"). This variant has not been reported in the literature in individuals with NF1-related conditions. This variant is not present in population databases (ExAC no frequency). This sequence change replaces aspartic acid with glycine at codon 1248 of the NF1 protein (p.Asp1248Gly). The aspartic acid residue is highly conserved and there is a moderate physicochemical difference between aspartic acid and glycine.

NM_001042492.3(NF1):c.3743A>G (p.Asp1248Gly)

Gene: NF1 (neurofibromin 1; plus strand). Cytogenetic location: 17q11.2.
Variant type: single nucleotide variant.
Coding change: c.3743A>G on transcript NM_001042492.3 (MANE Select); coding-DNA position 3743, A replaced by G.
Protein change: p.Asp1248Gly; replaces aspartic acid 1248 with glycine.
Molecular consequence: missense variant.
Genome position (GRCh38, 1-based): chr17:31,235,645, A>G. VCF-style: chr17-31235645-A-G. GRCh37 (hg19) VCF-style: chr17-29562663-A-G.
Other names: c.3743A>G, p.Asp1248Gly (NM_000267.4); short protein forms D1248G.
Identifiers: ClinVar variation 851959 (VCV000851959.6), dbSNP rs2067186495, ClinGen allele CA398992424.